The following is an entry in ClinVar:

ClinVar aggregate classification (germline): Uncertain significance. Review status: criteria provided, multiple submitters, no conflicts (2 of 4 stars). 2 submissions from 2 submitters: Uncertain significance (2). Last evaluated 2025-01-17.

Conditions:
Treacher Collins syndrome 1 (TCS1). Also called: TCOF1-Related Treacher Collins Syndrome. Identifiers: Orphanet 861, MedGen CN315775, MONDO:0007944, OMIM 154500.
TCOF1-related disorder. Also called: TCOF1-related condition.

Allele frequency attached by ClinVar (database versions not stated): gnomAD 0.00001; gnomAD exomes 0.00001; TOPMed 0.00001; ExAC 0.00002.
gnomAD v4.1: 10 of 1,614,028 alleles (0.00062%); highest among the groups gnomAD compares: Non-Finnish European, 0.00068%; no homozygotes.

Submissions (2):

Labcorp Genetics (formerly Invitae), Labcorp
Classification: Uncertain significance for Treacher Collins syndrome 1. Last evaluated: 2025-01-17. Review status: criteria provided, single submitter. Criteria: Invitae Variant Classification Sherloc (09022015). Collection method: clinical testing. Allele origin: germline.
Comment: This sequence change replaces threonine, which is neutral and polar, with isoleucine, which is neutral and non-polar, at codon 144 of the TCOF1 protein (p.Thr144Ile). This variant is present in population databases (rs774602971, gnomAD 0.002%). This variant has not been reported in the literature in individuals affected with TCOF1-related conditions. ClinVar contains an entry for this variant (Variation ID: 2628558). Invitae Evidence Modeling of protein sequence and biophysical properties (such as structural, functional, and spatial information, amino acid conservation, physicochemical variation, residue mobility, and thermodynamic stability) indicates that this missense variant is not expected to disrupt TCOF1 protein function with a negative predictive value of 80%. In summary, the available evidence is currently insufficient to determine the role of this variant in disease. Therefore, it has been classified as a Variant of Uncertain Significance.

PreventionGenetics, part of Exact Sciences
Classification: Uncertain significance for TCOF1-related condition. Last evaluated: 2023-03-29. Review status: criteria provided, single submitter. Criteria: ACMG Guidelines, 2015. Collection method: clinical testing. Allele origin: germline.
Comment: The TCOF1 c.431C>T variant is predicted to result in the amino acid substitution p.Thr144Ile. To our knowledge, this variant has not been reported in the literature. This variant is reported in 0.0018% of alleles in individuals of European (Non-Finnish) descent in gnomAD. At this time, the clinical significance of this variant is uncertain due to the absence of conclusive functional and genetic evidence.

NM_001371623.1(TCOF1):c.431C>T (p.Thr144Ile)

Gene: TCOF1 (treacle ribosome biogenesis factor 1; plus strand). Cytogenetic location: 5q32.
Variant type: single nucleotide variant.
Coding change: c.431C>T on transcript NM_001371623.1 (MANE Select); coding-DNA position 431, C replaced by T.
Protein change: p.Thr144Ile; replaces threonine 144 with isoleucine.
Molecular consequence: missense variant.
Genome position (GRCh38, 1-based): chr5:150,368,768, C>T. VCF-style: chr5-150368768-C-T. GRCh37 (hg19) VCF-style: chr5-149748331-C-T.
Other names: c.431C>T, p.Thr144Ile (NM_000356.4, NM_001008657.3, NM_001135243.2 and 3 more transcripts); short protein forms T144I.
Identifiers: ClinVar variation 2628558 (VCV002628558.3), dbSNP rs774602971, ClinGen allele CA3510563.
Genomic context (GRCh38, chr5:150,368,768, plus strand): 5'-CTCTGTAGGCAGAGACAGAGAAAGCTGGCAAGACTGGGAATTCCATGCCACACCCTGCCA[C>T]TGGGAAGACGGTGGCCAACCTTCTTTCTGGGAAGTCTCCCAGGAAGTCAGCAGAGCCCTC-3'
Protein context (NP_001358552.1, residues 134-154): KTGNSMPHPA[Thr144Ile]GKTVANLLSG